The following is an entry in ClinVar:

NM_000064.4(C3):c.553C>G (p.Gln185Glu)

Gene: C3 (complement C3; minus strand). Cytogenetic location: 19p13.3.
Variant type: single nucleotide variant.
Coding change: c.553C>G on transcript NM_000064.4 (MANE Select); coding-DNA position 553, C replaced by G.
Protein change: p.Gln185Glu; replaces glutamine 185 with glutamic acid.
Molecular consequence: missense variant.
Genome position (GRCh38, 1-based): chr19:6,714,398, G>C on the plus strand (C>G on the coding strand, the complement: C3 is on the minus strand). VCF-style: chr19-6714398-G-C. GRCh37 (hg19) VCF-style: chr19-6714409-G-C.
Other names: short protein forms Q185E.
Identifiers: ClinVar variation 4280271 (VCV004280271.1).

ClinVar aggregate classification (germline): Uncertain significance (1 of 4 stars; one submission).

Conditions:
Atypical hemolytic-uremic syndrome. Identifiers: Orphanet 2134, MedGen C2931788, MONDO:0016244.

Submission:

Genomenon, Inc
Classification: Uncertain significance for Atypical hemolytic-uremic syndrome. Last evaluated: 2025-09-30. Review status: criteria provided, single submitter. Criteria: Genomenon Sequence Variant Interpretation Standards. Collection method: curation. Allele origin: germline. Affected: yes.
Comment: C3 p.Gln185Glu (c.553C>G) is a missense variant that changes the amino acid at residue 185 from Glutamine to Glutamic acid. This variant has been observed in at least one proband affected with atypical hemolytic-uremic syndrome (PMID:25608561). Functional studies have been reported; however, the significance of the findings remain unclear (PMID:25608561). It is absent or not present at a significant frequency in gnomAD. In conclusion, we classify C3 p.Gln185Glu (c.553C>G) as a variant of unknown significance.

Literature cited by the submitters: PubMed 25608561.